The following is an entry in ClinVar:

NM_001242896.3(DEPDC5):c.3578T>A (p.Leu1193Gln)

Gene: DEPDC5 (DEP domain containing 5, GATOR1 subcomplex subunit; plus strand). Cytogenetic location: 22q12.3.
Variant type: single nucleotide variant.
Coding change: c.3578T>A on transcript NM_001242896.3 (MANE Select); coding-DNA position 3578, T replaced by A.
Protein change: p.Leu1193Gln; replaces leucine 1193 with glutamine.
Molecular consequence: missense variant. On other transcripts: non-coding transcript variant (4).
Genome position (GRCh38, 1-based): chr22:31,874,287, T>A. VCF-style: chr22-31874287-T-A. GRCh37 (hg19) VCF-style: chr22-32270273-T-A.
Other names: c.3551T>A, p.Leu1184Gln (NM_001136029.4); c.3278T>A, p.Leu1093Gln (NM_001242897.2); c.3512T>A, p.Leu1171Gln (NM_001363852.2, NM_001364320.2); c.3344T>A, p.Leu1115Gln (NM_001363854.2, NM_001364319.2); c.3578T>A, p.Leu1193Gln (NM_001364318.2); c.3494T>A, p.Leu1165Gln (NM_001369901.1, NM_001369902.1); c.3485T>A, p.Leu1162Gln (NM_001369903.1, NM_014662.6); short protein forms L1171Q, L1093Q, L1184Q, L1193Q, L1162Q, L1165Q, L1115Q.
Identifiers: ClinVar variation 861213 (VCV000861213.11), dbSNP rs2092931592, ClinGen allele CA411277671.
Genomic context (GRCh38, chr22:31,874,287, plus strand): 5'-GGGGCACACACATCCCCTGCTCCCCGTTCACCGTGTTGGAACCCAGGACAGGAGTCCAGC[T>A]GCTCTCTGAACAGAAGGGCCTCTCACCGTACTGCTTCATCAGCGCGGAGGTGGTACACTG-3'
Protein context (NP_001229825.1, residues 1183-1203): AMKHPSTGVQ[Leu1193Gln]LSEQKGLSPY

ClinVar aggregate classification (germline): Uncertain significance (1 of 4 stars; one submission).

Conditions:
Familial focal epilepsy with variable foci (FPEVF). Identifiers: Orphanet 98820, MedGen C1858477, MONDO:0020310.

Allele frequency attached by ClinVar (database versions not stated): gnomAD exomes below 0.00001.
gnomAD v4.1: 1 of 1,607,424 alleles (0.000062%); highest among the groups gnomAD compares: Non-Finnish European, 0.000085%; no homozygotes.

Submission:

Labcorp Genetics (formerly Invitae), Labcorp
Classification: Uncertain significance for Familial focal epilepsy with variable foci. Last evaluated: 2020-01-10. Review status: criteria provided, single submitter. Criteria: Invitae Variant Classification Sherloc (09022015). Collection method: clinical testing. Allele origin: germline.
Comment: In summary, the available evidence is currently insufficient to determine the role of this variant in disease. Therefore, it has been classified as a Variant of Uncertain Significance. Algorithms developed to predict the effect of missense changes on protein structure and function are either unavailable or do not agree on the potential impact of this missense change (SIFT: "Deleterious"; PolyPhen-2: "Not Available"; Align-GVGD: "Class C45"). This variant has not been reported in the literature in individuals with DEPDC5-related conditions. This variant is not present in population databases (ExAC no frequency). This sequence change replaces leucine with glutamine at codon 1193 of the DEPDC5 protein (p.Leu1193Gln). The leucine residue is highly conserved and there is a moderate physicochemical difference between leucine and glutamine.